The following is an entry in ClinVar:

ClinVar aggregate classification (germline): Uncertain significance (1 of 4 stars; one submission).

Conditions:
T-B+ severe combined immunodeficiency due to JAK3 deficiency. Also called: SCID, autosomal recessive, T-negative/B-positive type; SCID, T CELL-NEGATIVE, B CELL-POSITIVE, NK CELL-NEGATIVE. Identifiers: Orphanet 35078, MedGen C1833275, MONDO:0010938, OMIM 600802.

Allele frequency attached by ClinVar (database versions not stated): gnomAD exomes below 0.00001 and 0.00002; gnomAD 0.00001 and 0.00002; TOPMed 0.00002.
gnomAD v4.1: 28 of 1,596,216 alleles (0.0018%); highest among the groups gnomAD compares: Non-Finnish European, 0.002%; no homozygotes.

Submission:

Labcorp Genetics (formerly Invitae), Labcorp
Classification: Uncertain significance for T-B+ severe combined immunodeficiency due to JAK3 deficiency. Last evaluated: 2024-03-30. Review status: criteria provided, single submitter. Criteria: Invitae Variant Classification Sherloc (09022015). Collection method: clinical testing. Allele origin: germline.
Comment: This sequence change replaces asparagine, which is neutral and polar, with serine, which is neutral and polar, at codon 108 of the JAK3 protein (p.Asn108Ser). The frequency data for this variant in the population databases is considered unreliable, as metrics indicate poor data quality at this position in the gnomAD database. This variant has not been reported in the literature in individuals affected with JAK3-related conditions. ClinVar contains an entry for this variant (Variation ID: 944953). Advanced modeling of protein sequence and biophysical properties (such as structural, functional, and spatial information, amino acid conservation, physicochemical variation, residue mobility, and thermodynamic stability) performed at Invitae indicates that this missense variant is not expected to disrupt JAK3 protein function with a negative predictive value of 95%. In summary, the available evidence is currently insufficient to determine the role of this variant in disease. Therefore, it has been classified as a Variant of Uncertain Significance.

NM_000215.4(JAK3):c.323A>G (p.Asn108Ser)

Gene: JAK3 (Janus kinase 3; minus strand). Cytogenetic location: 19p13.11.
Variant type: single nucleotide variant.
Coding change: c.323A>G on transcript NM_000215.4 (MANE Select); coding-DNA position 323, A replaced by G.
Protein change: p.Asn108Ser; replaces asparagine 108 with serine.
Molecular consequence: missense variant.
Genome position (GRCh38, 1-based): chr19:17,843,477, T>C on the plus strand (A>G on the coding strand, the complement: JAK3 is on the minus strand). VCF-style: chr19-17843477-T-C. GRCh37 (hg19) VCF-style: chr19-17954286-T-C.
Other names: short protein forms N108S.
Identifiers: ClinVar variation 944953 (VCV000944953.8), dbSNP rs199790370, ClinGen allele CA306141541.
Genomic context (GRCh38, chr19:17,843,477, plus strand): 5'-ATAGCACTGGCCAAATCCTTGCGTAGCCCGAAGCGGTGGCACTTCTCCAGCCCAAACCAA[T>C]TGGGGAAGTAAAAGCTGTGAGGAGAGGAGAGAACCCTGGGATGAAAGTGCAACCCAGCCT-3'
Protein context (NP_000206.2, residues 98-118): LLYRIRFYFP[Asn108Ser]WFGLEKCHRF